The following is an entry in ClinVar:

ClinVar aggregate classification (germline): Uncertain significance (1 of 4 stars; one submission).

Conditions:
Familial cancer of breast. Also called: BREAST CANCER, FAMILIAL; Hereditary breast cancer; hereditary breast carcinoma. Identifiers: Orphanet 227535, MedGen C0346153, MONDO:0016419, OMIM 114480. Disease mechanism: loss of function.

Allele frequency attached by ClinVar (database versions not stated): gnomAD exomes below 0.00001.
gnomAD v4.1: 1 of 1,613,242 alleles (0.000062%); highest among the groups gnomAD compares: Non-Finnish European, 0.000085%; no homozygotes.

Submission:

Labcorp Genetics (formerly Invitae), Labcorp
Classification: Uncertain significance for Familial cancer of breast. Last evaluated: 2023-10-17. Review status: criteria provided, single submitter. Criteria: Invitae Variant Classification Sherloc (09022015). Collection method: clinical testing. Allele origin: germline.
Comment: This sequence change falls in intron 1 of the PALB2 gene. It does not directly change the encoded amino acid sequence of the PALB2 protein. It affects a nucleotide within the consensus splice site. This variant is not present in population databases (gnomAD no frequency). This variant has not been reported in the literature in individuals affected with PALB2-related conditions. ClinVar contains an entry for this variant (Variation ID: 461005). Variants that disrupt the consensus splice site are a relatively common cause of aberrant splicing (PMID: 17576681, 9536098). Algorithms developed to predict the effect of sequence changes on RNA splicing suggest that this variant is not likely to affect RNA splicing. In summary, the available evidence is currently insufficient to determine the role of this variant in disease. Therefore, it has been classified as a Variant of Uncertain Significance.

Literature cited by the submitters: PubMed 17576681; PubMed 9536098.

NM_024675.4(PALB2):c.48+6G>A

Gene: PALB2 (partner and localizer of BRCA2; minus strand). Cytogenetic location: 16p12.2.
Variant type: single nucleotide variant.
Coding change: c.48+6G>A on transcript NM_024675.4 (MANE Select); 6 bases into the intron after coding-DNA position 48, G replaced by A.
Molecular consequence: intron variant.
Genome position (GRCh38, 1-based): chr16:23,641,104, C>T on the plus strand (G>A on the coding strand, the complement: PALB2 is on the minus strand). VCF-style: chr16-23641104-C-T. GRCh37 (hg19) VCF-style: chr16-23652425-C-T.
Identifiers: ClinVar variation 461005 (VCV000461005.7), dbSNP rs1555462487, ClinGen allele CA658658451.
Genomic context (GRCh38, chr16:23,641,104, plus strand): 5'-CCAGGCCTAAAACCCTGGGAAAGCGGGGTCAGAGTCCTGCGTCCGCCCTTCCCGCACCCC[C>T]GGCACCTTTTCCTTCTCCTCACAGCTGAGGGGCTTCCCGGGAGGCTCGTCCATCGGGCAG-3'